The following is an entry in ClinVar:

NM_054027.6(ANKH):c.*2119C>T

Genes: ANKH (ANKH inorganic pyrophosphate transport regulator; minus strand), OTULIN (OTU deubiquitinase with linear linkage specificity; plus strand). Cytogenetic location: 5p15.2.
Variant type: single nucleotide variant.
Coding change: c.*2119C>T on transcript NM_054027.6 (MANE Select); 2119 bases downstream of the stop codon, C replaced by T.
Molecular consequence: 3 prime UTR variant.
Genome position (GRCh38, 1-based): chr5:14,709,078, G>A on the plus strand (C>T on the coding strand, the complement: ANKH is on the minus strand). VCF-style: chr5-14709078-G-A. GRCh37 (hg19) VCF-style: chr5-14709187-G-A.
Identifiers: ClinVar variation 351455 (VCV000351455.5), dbSNP rs150130025, ClinGen allele CA10619301.

ClinVar aggregate classification (germline): Benign. Review status: criteria provided, single submitter (1 of 4 stars). 2 submissions from 1 submitter: Benign (2). Last evaluated 2018-01-12.

Conditions:
Chondrocalcinosis 2. Also called: CALCIUM GOUT; CALCIUM PYROPHOSPHATE ARTHROPATHY; Familial calcium pyrophosphate deposition. Identifiers: Orphanet 1416, MedGen C0856830, MONDO:0007319, OMIM 118600.
Craniometaphyseal dysplasia, autosomal dominant (CMDD). Identifiers: Orphanet 1522, MedGen C1852502, MONDO:0007397, OMIM 123000.

Allele frequency attached by ClinVar (database versions not stated): gnomAD 0.01417 and 0.01502; TOPMed 0.01598; 1000 Genomes Project 0.01757; 1000 Genomes Project 30x 0.01968.

Submissions (2):

Illumina Laboratory Services, Illumina
Classification: Benign for Chondrocalcinosis 2. Last evaluated: 2018-01-12. Review status: criteria provided, single submitter. Criteria: ICSL Variant Classification Criteria 13 December 2019. Collection method: clinical testing. Allele origin: germline.
Comment: This variant was observed in the ICSL laboratory as part of a predisposition screen in an ostensibly healthy population. It had not been previously curated by ICSL or reported in the Human Gene Mutation Database (HGMD: prior to June 1st, 2018), and was therefore a candidate for classification through an automated scoring system. Utilizing variant allele frequency, disease prevalence and penetrance estimates, and inheritance mode, an automated score was calculated to assess if this variant is too frequent to cause the disease. Based on the score and internal cut-off values, a variant classified as benign is not then subjected to further curation. The score for this variant resulted in a classification of benign for this disease.

Illumina Laboratory Services, Illumina
Classification: Benign for Craniometaphyseal dysplasia, autosomal dominant. Last evaluated: 2018-01-12. Review status: criteria provided, single submitter. Criteria: ICSL Variant Classification Criteria 13 December 2019. Collection method: clinical testing. Allele origin: germline.
Comment: the same text as in the submission from Illumina Laboratory Services, Illumina above.